The following is an entry in ClinVar:

NM_000404.3(GLB1):c.[276G>A];[75+5G>C]

Variant type: CompoundHeterozygote.
Identifiers: ClinVar variation 427824 (VCV000427824.2).

ClinVar aggregate classification (germline): Likely pathogenic (0 of 4 stars; one submission).

Conditions:
Infantile GM1 gangliosidosis. Also called: Gangliosidosis, Generalized GM1, Type 1; GM1-gangliosidosis, type I; Gangliosidosis, generalized GM1, infantile form; GLB1 deficiency; GM1 gangliosidosis type 1. Identifiers: Orphanet 354, Orphanet 79255, MedGen C0268271, MONDO:0009260, OMIM 230500.

Submission:

Foundation for Research in Genetics and Endocrinology, FRIGE's Institute of Human Genetics
Classification: Likely pathogenic for Infantile GM1 gangliosidosis. Last evaluated: 2016-05-11. Review status: no assertion criteria provided. Collection method: research. Allele origin: germline. Inheritance: Autosomal recessive inheritance. Affected: yes. Observed: 1 variant allele, 1 compound heterozygote.
Comment: Variant c.75+5G>C (ENST00000307363) found to be pathogenic by online software Mutation Taster and Variant c.276G>A reported to cause disease (HGMD ID:CM115631).